The following is an entry in ClinVar:

NM_001142966.3(GREB1L):c.5128A>G (p.Arg1710Gly)

Gene: GREB1L (GREB1 like retinoic acid receptor coactivator; plus strand). Cytogenetic location: 18q11.2.
Variant type: single nucleotide variant.
Coding change: c.5128A>G on transcript NM_001142966.3 (MANE Select); coding-DNA position 5128, A replaced by G.
Protein change: p.Arg1710Gly; replaces arginine 1710 with glycine.
Molecular consequence: missense variant.
Genome position (GRCh38, 1-based): chr18:21,515,643, A>G. VCF-style: chr18-21515643-A-G. GRCh37 (hg19) VCF-style: chr18-19095604-A-G.
Other names: c.5257A>G, p.Arg1753Gly (NM_001410867.1); c.4801A>G, p.Arg1601Gly (NM_001410868.1); short protein forms R1601G, R1710G, R1753G.
Identifiers: ClinVar variation 3369414 (VCV003369414.1).
Genomic context (GRCh38, chr18:21,515,643, plus strand): 5'-GTGCATGATTTCATTCTCCTCAACACAGACTTGACTCAGAATGTGCAGTATGACTTCAAC[A>G]GGTAAGTCAGGCCTCATGGATGCAGGTAATCCTGGCATCTACTGATTGCTTCTGCCCAGC-3'
Protein context (NP_001136438.1, residues 1700-1720): LTQNVQYDFN[Arg1710Gly]YFCEDADFNL

ClinVar aggregate classification (germline): Uncertain significance (1 of 4 stars; one submission).

Submission:

GeneDx
Classification: Uncertain significance. Last evaluated: 2024-02-16. Review status: criteria provided, single submitter. Criteria: GeneDx Variant Classification Process June 2021. Collection method: clinical testing. Allele origin: germline. Affected: yes.
Comment: Not observed at significant frequency in large population cohorts (gnomAD); In silico analysis supports that this missense variant has a deleterious effect on protein structure/function; Has not been previously published as pathogenic or benign to our knowledge